The following is an entry in ClinVar:

NM_021930.6(RINT1):c.141A>G (p.Thr47=)

Gene: RINT1 (RAD50 interactor 1; plus strand). Cytogenetic location: 7q22.3.
Variant type: single nucleotide variant.
Coding change: c.141A>G on transcript NM_021930.6 (MANE Select); coding-DNA position 141, A replaced by G.
Protein change: p.Thr47=; no amino-acid change (threonine 47 retained).
Molecular consequence: synonymous variant. On other transcripts: 5 prime UTR variant (3), non-coding transcript variant (1), intron variant (1).
Genome position (GRCh38, 1-based): chr7:105,536,617, A>G. VCF-style: chr7-105536617-A-G. GRCh37 (hg19) VCF-style: chr7-105177064-A-G.
Other names: c.-879A>G (NM_001346600.2); c.-782A>G (NM_001346601.2); c.-402A>G (NM_001346603.2); c.39+5A>G (NM_001346599.2).
Identifiers: ClinVar variation 1462391 (VCV001462391.8), dbSNP rs756001839, ClinGen allele CA457050331.

ClinVar aggregate classification (germline): Uncertain significance (1 of 4 stars; one submission).

Submission:

Labcorp Genetics (formerly Invitae), Labcorp
Classification: Uncertain significance. Last evaluated: 2022-07-19. Review status: criteria provided, single submitter. Criteria: Invitae Variant Classification Sherloc (09022015). Collection method: clinical testing. Allele origin: germline.
Comment: In summary, the available evidence is currently insufficient to determine the role of this variant in disease. Therefore, it has been classified as a Variant of Uncertain Significance. Algorithms developed to predict the effect of sequence changes on RNA splicing suggest that this variant may create or strengthen a splice site. ClinVar contains an entry for this variant (Variation ID: 1462391). This variant has not been reported in the literature in individuals affected with RINT1-related conditions. This variant is not present in population databases (gnomAD no frequency). This sequence change affects codon 47 of the RINT1 mRNA. It is a 'silent' change, meaning that it does not change the encoded amino acid sequence of the RINT1 protein.